The following is an entry in ClinVar:

ClinVar aggregate classification (germline): Uncertain significance (1 of 4 stars; one submission).

Conditions:
Primary dilated cardiomyopathy (DCM). Also called: Dilated Cardiomyopathy. Identifiers: Orphanet 217604, MedGen C0007193, MeSH D002311, MONDO:0005021, HP:0001644. Inheritance: Various modes of inheritance.

Submission:

Labcorp Genetics (formerly Invitae), Labcorp
Classification: Uncertain significance for Primary dilated cardiomyopathy. Last evaluated: 2022-08-23. Review status: criteria provided, single submitter. Criteria: Invitae Variant Classification Sherloc (09022015). Collection method: clinical testing. Allele origin: germline.
Comment: In summary, the available evidence is currently insufficient to determine the role of this variant in disease. Therefore, it has been classified as a Variant of Uncertain Significance. Variants that disrupt the consensus splice site are a relatively common cause of aberrant splicing (PMID: 17576681, 9536098). Algorithms developed to predict the effect of sequence changes on RNA splicing suggest that this variant may disrupt the consensus splice site. This variant has not been reported in the literature in individuals affected with NEBL-related conditions. This variant is not present in population databases (gnomAD no frequency). This sequence change falls in intron 3 of the NEBL gene. It does not directly change the encoded amino acid sequence of the NEBL protein. It affects a nucleotide within the consensus splice site.

Literature cited by the submitters: PubMed 17576681; PubMed 9536098.

NM_006393.3(NEBL):c.258+3A>G

Gene: NEBL (nebulette; minus strand). Cytogenetic location: 10p12.31.
Variant type: single nucleotide variant.
Coding change: c.258+3A>G on transcript NM_006393.3 (MANE Select); 3 bases into the intron after coding-DNA position 258, A replaced by G.
Molecular consequence: intron variant.
Genome position (GRCh38, 1-based): chr10:20,889,842, T>C on the plus strand (A>G on the coding strand, the complement: NEBL is on the minus strand). VCF-style: chr10-20889842-T-C. GRCh37 (hg19) VCF-style: chr10-21178771-T-C.
Other names: c.249+71830A>G (NM_001377326.1, NM_001377327.1, NM_001377328.1); c.357+71830A>G (NM_213569.2, NM_001173484.2, NM_001377322.1); c.300+71830A>G (NM_001377324.1); c.291+71830A>G (NM_001377325.1); c.309+71830A>G (NM_001377323.1).
Identifiers: ClinVar variation 2086279 (VCV002086279.4), dbSNP rs2492566146, ClinGen allele CA2580081387.
Genomic context (GRCh38, chr10:20,889,842, plus strand): 5'-CTTTCATCTATATAATAAGAAAAAGATAAATGCAAGCCAGTTTGCAAGCTTTTGATACCT[T>C]ACCTCAGAAATAAAAGCACCGATATTTTTTACATGGTTTAGCATAGGACTGTCAGTCACA-3'